The following is an entry in ClinVar:

ClinVar aggregate classification (germline): Uncertain significance (1 of 4 stars; one submission).

Conditions:
Cardiovascular phenotype. Identifiers: MedGen CN230736.

Submission:

Ambry Genetics
Classification: Uncertain significance for Cardiovascular phenotype. Last evaluated: 2026-06-14. Review status: criteria provided, single submitter. Criteria: Ambry Variant Classification Scheme 2023. Collection method: clinical testing. Allele origin: germline.
Comment: The p.L348F variant (also known as c.1042C>T), located in coding exon 7 of the ABCC9 gene, results from a C to T substitution at nucleotide position 1042. The leucine at codon 348 is replaced by phenylalanine, an amino acid with highly similar properties. This amino acid position is conserved. In addition, the in silico prediction for this alteration is inconclusive. Based on the available evidence, the clinical significance of this variant remains unclear.

NM_020297.4(ABCC9):c.1042C>T (p.Leu348Phe)

Gene: ABCC9 (ATP binding cassette subfamily C member 9; minus strand). Cytogenetic location: 12p12.1.
Variant type: single nucleotide variant.
Coding change: c.1042C>T on transcript NM_020297.4 (MANE Select); coding-DNA position 1042, C replaced by T.
Protein change: p.Leu348Phe; replaces leucine 348 with phenylalanine.
Molecular consequence: missense variant.
Genome position (GRCh38, 1-based): chr12:21,910,948, G>A on the plus strand (C>T on the coding strand, the complement: ABCC9 is on the minus strand). VCF-style: chr12-21910948-G-A. GRCh37 (hg19) VCF-style: chr12-22063882-G-A.
Other names: c.1042C>T, p.Leu348Phe (NM_001377273.1, NM_005691.4); c.178C>T, p.Leu60Phe (NM_001377274.1); short protein forms L348F, L60F.
Identifiers: ClinVar variation 4861866 (VCV004861866.1).